The following is an entry in ClinVar:

NM_003579.4(RAD54L):c.1499T>A (p.Val500Asp)

Gene: RAD54L (RAD54 like; plus strand). Cytogenetic location: 1p34.1.
Variant type: single nucleotide variant.
Coding change: c.1499T>A on transcript NM_003579.4 (MANE Select); coding-DNA position 1499, T replaced by A.
Protein change: p.Val500Asp; replaces valine 500 with aspartic acid.
Molecular consequence: missense variant.
Genome position (GRCh38, 1-based): chr1:46,273,636, T>A. VCF-style: chr1-46273636-T-A. GRCh37 (hg19) VCF-style: chr1-46739308-T-A.
Other names: c.1499T>A, p.Val500Asp (NM_001142548.2); c.959T>A, p.Val320Asp (NM_001370766.1); short protein forms V500D, V320D.
Identifiers: ClinVar variation 2447790 (VCV002447790.2), dbSNP rs2525712924, ClinGen allele CA340181720.

ClinVar aggregate classification (germline): Uncertain significance (1 of 4 stars; one submission).

Submission:

Ambry Genetics
Classification: Uncertain significance. Last evaluated: 2022-12-11. Review status: criteria provided, single submitter. Criteria: Ambry Variant Classification Scheme 2023. Collection method: clinical testing. Allele origin: germline.
Comment: The p.V500D variant (also known as c.1499T>A), located in coding exon 14 of the RAD54L gene, results from a T to A substitution at nucleotide position 1499. The valine at codon 500 is replaced by aspartic acid, an amino acid with highly dissimilar properties. This amino acid position is conserved. In addition, this alteration is predicted to be deleterious by in silico analysis. Since supporting evidence is limited at this time, the clinical significance of this alteration remains unclear.